The following is an entry in ClinVar:

ClinVar aggregate classification (germline): Uncertain significance. Review status: criteria provided, multiple submitters, no conflicts (2 of 4 stars). 4 submissions from 4 submitters: Uncertain significance (4). Last evaluated 2026-01-09.

Conditions:
Cardiac arrhythmia. Also called: Cardiac rhythm disease; Arrhythmia. Identifiers: MedGen C0003811, MONDO:0007263, HP:0011675.
Cardiovascular phenotype. Identifiers: MedGen CN230736.
Long QT syndrome (LQTS). Identifiers: MedGen C0023976, MeSH D008133, MONDO:0002442. Disease mechanism: loss of function. Inheritance: Various modes of inheritance.

Allele frequency attached by ClinVar (database versions not stated): TOPMed below 0.00001; gnomAD 0.00001.

Submissions (4):

Labcorp Genetics (formerly Invitae), Labcorp
Classification: Uncertain significance for Long QT syndrome. Last evaluated: 2026-01-09. Review status: criteria provided, single submitter. Criteria: Invitae Variant Classification Sherloc (09022015). Collection method: clinical testing. Allele origin: germline.
Comment: This sequence change creates a premature translational stop signal (p.Arg1134*) in the KCNH2 gene. While this is not anticipated to result in nonsense mediated decay, it is expected to disrupt the last 26 amino acid(s) of the KCNH2 protein. The frequency data for this variant in the population databases is considered unreliable, as metrics indicate poor data quality at this position in the gnomAD database. This variant has not been reported in the literature in individuals affected with KCNH2-related conditions. ClinVar contains an entry for this variant (Variation ID: 923242). Experimental studies and prediction algorithms are not available or were not evaluated, and the functional significance of this variant is currently unknown. Algorithms developed to predict the effect of sequence changes on RNA splicing suggest that this variant may disrupt the consensus splice site. In summary, the available evidence is currently insufficient to determine the role of this variant in disease. Therefore, it has been classified as a Variant of Uncertain Significance.

Ambry Genetics
Classification: Uncertain significance for Cardiovascular phenotype. Last evaluated: 2025-07-08. Review status: criteria provided, single submitter. Criteria: Ambry Variant Classification Scheme 2023. Collection method: clinical testing. Allele origin: germline.
Comment: The p.R1134* variant (also known as c.3400C>T), located in coding exon 15 of the KCNH2 gene, results from a C to T substitution at nucleotide position 3400. This changes the amino acid from an arginine to a stop codon within coding exon 15. This alteration occurs at the 3' terminus of theKCNH2 gene, is not expected to trigger nonsense-mediated mRNAdecay, and only impacts the last 26 amino acids (2.2%) of the protein. The exact functional effect of this alteration is unknown. Based on the available evidence, the clinical significance of this variant remains unclear.

All of Us Research Program, National Institutes of Health
Classification: Uncertain significance for Long QT syndrome. Last evaluated: 2023-05-16. Review status: criteria provided, single submitter. Criteria: ACMG Guidelines, 2015. Collection method: clinical testing. Allele origin: germline. Inheritance: Autosomal dominant inheritance. Observed: 1 variant allele, 1 heterozygote.
Comment: This variant changes 1 nucleotide in exon 15 of the KCNH2 gene, creating a premature translation stop signal in the last exon. The mutant protein is expected to escape nonsense-mediated decay and be expressed as a truncated protein product. To our knowledge, functional studies have not been performed for this variant. This variant has not been reported in individuals affected with cardiovascular disorders in the literature. This variant has been identified in 2/201020 chromosomes in the general population by the Genome Aggregation Database (gnomAD). The available evidence is insufficient to determine the role of this variant in disease conclusively. Therefore, this variant is classified as a Variant of Uncertain Significance.

This study involves interpretation of variants in research participants for the purpose of population health screening. Participant phenotype was not available at the time of variant classification. Additional details can be found in publication PMID: 35346344, PMCID: PMC8962531

Color Diagnostics, LLC DBA Color Health
Classification: Uncertain significance for Cardiac arrhythmia. Last evaluated: 2023-05-10. Review status: criteria provided, single submitter. Criteria: ACMG Guidelines, 2015. Collection method: clinical testing. Allele origin: germline.
Comment: This variant changes 1 nucleotide in exon 15 of the KCNH2 gene, creating a premature translation stop signal in the last exon. The mutant protein is expected to escape nonsense-mediated decay and be expressed as a truncated protein product. To our knowledge, this variant has not been reported in individuals affected with KCNH2-related disorders in the literature. This variant has been identified in 2/201020 chromosomes in the general population by the Genome Aggregation Database (gnomAD). The available evidence is insufficient to determine the role of this variant in disease conclusively. Therefore, this variant is classified as a Variant of Uncertain Significance.

NM_000238.4(KCNH2):c.3400C>T (p.Arg1134Ter)

Gene: KCNH2 (potassium voltage-gated channel subfamily H member 2; minus strand). Cytogenetic location: 7q36.1.
Variant type: single nucleotide variant.
Coding change: c.3400C>T on transcript NM_000238.4 (MANE Select); coding-DNA position 3400, C replaced by T.
Protein change: p.Arg1134Ter; replaces arginine 1134 with a stop codon.
Molecular consequence: nonsense.
Genome position (GRCh38, 1-based): chr7:150,945,445, G>A on the plus strand (C>T on the coding strand, the complement: KCNH2 is on the minus strand). VCF-style: chr7-150945445-G-A. GRCh37 (hg19) VCF-style: chr7-150642533-G-A.
Other names: c.2380C>T, p.Arg794Ter (NM_172057.3); short protein forms R794*, R1134*.
Identifiers: ClinVar variation 923242 (VCV000923242.18), dbSNP rs965259777, ClinGen allele CA169070357.